The following is an entry in ClinVar:

NM_000089.4(COL1A2):c.1036-7A>G

Gene: COL1A2 (collagen type I alpha 2 chain; plus strand). Cytogenetic location: 7q21.3.
Variant type: single nucleotide variant.
Coding change: c.1036-7A>G on transcript NM_000089.4 (MANE Select); 7 bases into the intron before coding-DNA position 1036, A replaced by G.
Molecular consequence: intron variant.
Genome position (GRCh38, 1-based): chr7:94,410,235, A>G. VCF-style: chr7-94410235-A-G. GRCh37 (hg19) VCF-style: chr7-94039547-A-G.
Identifiers: ClinVar variation 3752745 (VCV003752745.2).

ClinVar aggregate classification (germline): Uncertain significance (1 of 4 stars; one submission).

Conditions:
Ehlers-Danlos syndrome, classic type, 1 (EDSCL1). Also called: EHLERS-DANLOS SYNDROME, GRAVIS TYPE; EHLERS-DANLOS SYNDROME, SEVERE CLASSIC TYPE; Ehlers-Danlos syndrome, type 1; Ehlers-Danlos Syndrome, Classic Type, COL5A1-Related; EDS I. Identifiers: MedGen C0268335, MONDO:0019567, OMIM 130000.
Osteogenesis imperfecta type I (OI1). Also called: OI, TYPE I; OSTEOGENESIS IMPERFECTA TARDA; OSTEOGENESIS IMPERFECTA WITH BLUE SCLERAE; Osteogenesis imperfecta type 1; Lobstein's Disease; Lobstein disease. Identifiers: Orphanet 216796, Orphanet 666, MedGen C0023931, MONDO:0008146, OMIM 166200. Disease mechanism: loss of function.

Submission:

Labcorp Genetics (formerly Invitae), Labcorp
Classification: Uncertain significance for Osteogenesis imperfecta type I; Ehlers-Danlos syndrome, classic type, 1. Last evaluated: 2025-01-21. Review status: criteria provided, single submitter. Criteria: Invitae Variant Classification Sherloc (09022015). Collection method: clinical testing. Allele origin: germline.
Comment: This sequence change falls in intron 19 of the COL1A2 gene. It does not directly change the encoded amino acid sequence of the COL1A2 protein. This variant is not present in population databases (gnomAD no frequency). This variant has not been reported in the literature in individuals affected with COL1A2-related conditions. Algorithms developed to predict the effect of sequence changes on RNA splicing suggest that this variant may disrupt the consensus splice site. In summary, the available evidence is currently insufficient to determine the role of this variant in disease. Therefore, it has been classified as a Variant of Uncertain Significance.